The following is an entry in ClinVar:

ClinVar aggregate classification (germline): Conflicting classifications of pathogenicity. Review status: criteria provided, conflicting classifications (1 of 4 stars). 3 submissions from 3 submitters: Uncertain significance (1); Likely benign (2). Last evaluated 2025-12-31.

Conditions:
Hereditary cancer-predisposing syndrome. Also called: Neoplastic Syndromes, Hereditary; Hereditary neoplastic syndrome; Tumor predisposition; Hereditary Cancer Syndrome. Identifiers: Orphanet 140162, MedGen C0027672, MeSH D009386, MONDO:0015356.
Ataxia-telangiectasia syndrome (AT). Also called: Ataxia telangiectasia (A-T); Cerebello-oculocutaneous telangiectasia; Immunodeficiency with ataxia telangiectasia; LOUIS-BAR SYNDROME; AT, COMPLEMENTATION GROUP C; ATAXIA-TELANGIECTASIA, FRESNO VARIANT. Identifiers: Orphanet 100, MedGen C0004135, MONDO:0008840, OMIM 208900.

Allele frequency attached by ClinVar (database versions not stated): gnomAD exomes below 0.00001; ExAC 0.00001.
gnomAD v4.1: 2 of 1,614,186 alleles (0.00012%); highest among the groups gnomAD compares: Non-Finnish European, 0.000085%; no homozygotes.

Submissions (3):

Labcorp Genetics (formerly Invitae), Labcorp
Classification: Likely benign for Ataxia-telangiectasia syndrome. Last evaluated: 2025-12-31. Review status: criteria provided, single submitter. Criteria: Invitae Variant Classification Sherloc (09022015). Collection method: clinical testing. Allele origin: germline.

Color Diagnostics, LLC DBA Color Health
Classification: Uncertain significance for Hereditary cancer-predisposing syndrome. Last evaluated: 2023-12-05. Review status: criteria provided, single submitter. Criteria: ACMG Guidelines, 2015. Collection method: clinical testing. Allele origin: germline.
Comment: This synonymous variant does not change the amino acid sequence of the ATM protein. Splice site prediction tools suggest that this variant may impact RNA splicing by activating a new splice site. To our knowledge, functional studies have not been performed for this variant. This variant has not been reported in individuals affected with hereditary cancer in the literature. This variant has been identified in 1/251304 chromosomes in the general population by the Genome Aggregation Database (gnomAD). The available evidence is insufficient to determine the role of this variant in disease conclusively. Therefore, this variant is classified as a Variant of Uncertain Significance.

Ambry Genetics
Classification: Likely benign for Hereditary cancer-predisposing syndrome. Last evaluated: 2016-09-07. Review status: criteria provided, single submitter. Criteria: Ambry Variant Classification Scheme 2023. Collection method: clinical testing. Allele origin: germline.

NM_000051.4(ATM):c.6891A>G (p.Gln2297=)

Genes: ATM (ATM serine/threonine kinase; plus strand), C11orf65 (chromosome 11 open reading frame 65; minus strand). Cytogenetic location: 11q22.3.
Variant type: single nucleotide variant.
Coding change: c.6891A>G on transcript NM_000051.4 (MANE Select); coding-DNA position 6891, A replaced by G.
Protein change: p.Gln2297=; no amino-acid change (glutamine 2297 retained).
Molecular consequence: synonymous variant. On other transcripts: intron variant (2).
Genome position (GRCh38, 1-based): chr11:108,326,141, A>G. VCF-style: chr11-108326141-A-G. GRCh37 (hg19) VCF-style: chr11-108196868-A-G.
Other names: c.6891A>G, p.Gln2297= (NM_001351834.2); c.641-17070T>C (NM_001330368.2); c.*38+9079T>C (NM_001351110.2).
Identifiers: ClinVar variation 236759 (VCV000236759.21), dbSNP rs773545588, ClinGen allele CA6266028.